The following is an entry in ClinVar:

ClinVar aggregate classification (germline): Uncertain significance. Review status: criteria provided, multiple submitters, no conflicts (2 of 4 stars). 6 submissions from 6 submitters: Uncertain significance (5). 1 of the submissions does not count toward it. Last evaluated 2024-11-14.

Conditions:
Inborn genetic diseases. Identifiers: MedGen C0950123, MeSH D030342.
Nemaline myopathy 2 (NEM2). Also called: Nemaline myopathy 2, autosomal recessive. Identifiers: MedGen C1850569, MONDO:0009725, OMIM 256030.

Allele frequency attached by ClinVar (database versions not stated): gnomAD exomes 0.00001; gnomAD 0.00003; TOPMed 0.00006; 1000 Genomes Project 30x 0.00031; 1000 Genomes Project 0.00040.
gnomAD v4.1: 15 of 1,603,220 alleles (0.00094%); highest among the groups gnomAD compares: African/African-American, 0.017%; no homozygotes.

Submissions (6):

Ambry Genetics
Classification: Uncertain significance for Inborn genetic diseases. Last evaluated: 2024-11-14. Review status: criteria provided, single submitter. Criteria: Ambry Variant Classification Scheme 2023. Collection method: clinical testing. Allele origin: germline.

Revvity Omics, Revvity
Classification: Uncertain significance. Last evaluated: 2023-04-25. Review status: criteria provided, single submitter. Criteria: ACMG Guidelines, 2015. Collection method: clinical testing. Allele origin: germline.

Labcorp Genetics (formerly Invitae), Labcorp
Classification: Uncertain significance for Nemaline myopathy 2. Last evaluated: 2022-08-23. Review status: criteria provided, single submitter. Criteria: Invitae Variant Classification Sherloc (09022015). Collection method: clinical testing. Allele origin: germline.
Comment: This sequence change replaces phenylalanine, which is neutral and non-polar, with cysteine, which is neutral and slightly polar, at codon 820 of the NEB protein (p.Phe820Cys). This variant is not present in population databases (gnomAD no frequency). This variant has not been reported in the literature in individuals affected with NEB-related conditions. ClinVar contains an entry for this variant (Variation ID: 195972). Algorithms developed to predict the effect of missense changes on protein structure and function are either unavailable or do not agree on the potential impact of this missense change (SIFT: "Deleterious"; PolyPhen-2: "Not Available"; Align-GVGD: "Class C0"). In summary, the available evidence is currently insufficient to determine the role of this variant in disease. Therefore, it has been classified as a Variant of Uncertain Significance.

Blueprint Genetics
Classification: Uncertain significance. Last evaluated: 2020-10-26. Review status: criteria provided, single submitter. Criteria: ACMG Guidelines, 2015. Collection method: clinical testing. Allele origin: germline.

Eurofins Ntd Llc (ga)
Classification: Uncertain significance. Last evaluated: 2014-12-11. Review status: criteria provided, single submitter. Criteria: EGL Classification Definitions 2015. Collection method: clinical testing. Allele origin: germline. Observed: 1 variant allele, 1 heterozygote.

Counsyl
Classification: Uncertain significance for Nemaline myopathy 2. Last evaluated: 2016-12-23. Review status: no assertion criteria provided. Collection method: clinical testing. Allele origin: unknown. Not counted in ClinVar's aggregate classification.

NM_001164508.2(NEB):c.2459T>G (p.Phe820Cys)

Gene: NEB (nebulin; minus strand). Cytogenetic location: 2q23.3.
Variant type: single nucleotide variant.
Coding change: c.2459T>G on transcript NM_001164508.2 (MANE Select); coding-DNA position 2459, T replaced by G.
Protein change: p.Phe820Cys; replaces phenylalanine 820 with cysteine.
Molecular consequence: missense variant.
Genome position (GRCh38, 1-based): chr2:151,687,690, A>C on the plus strand (T>G on the coding strand, the complement: NEB is on the minus strand). VCF-style: chr2-151687690-A-C. GRCh37 (hg19) VCF-style: chr2-152544204-A-C.
Other names: c.2459T>G, p.Phe820Cys (NM_001164507.2, NM_001271208.2, NM_004543.5); c.2459T>G (NM_004543.4); short protein forms F820C.
Identifiers: ClinVar variation 195972 (VCV000195972.13), dbSNP rs200664592, ClinGen allele CA242697.